The following is an entry in ClinVar:

ClinVar aggregate classification (germline): Likely pathogenic. Review status: criteria provided, multiple submitters, no conflicts (2 of 4 stars). 2 submissions from 2 submitters: Likely pathogenic (2). Last evaluated 2017-06-16.

Conditions:
Cholestasis, progressive familial intrahepatic, 4. Identifiers: Orphanet 480483, Orphanet 79304, MedGen C2931067, MONDO:0014381, OMIM 615878.

Submissions (2):

GeneDx
Classification: Likely pathogenic. Last evaluated: 2017-06-16. Review status: criteria provided, single submitter. Criteria: GeneDx Variant Classification (06012015). Collection method: clinical testing. Allele origin: germline. Affected: yes.
Comment: The Q878X variant in the TJP2 gene has not been reported previously as a pathogenic variant, nor as a benign variant, to our knowledge. This variant is predicted to cause loss of normal protein function either through protein truncation or nonsense-mediated mRNA decay. The Q878X variant is not observed in large population cohorts (Lek et al., 2016; 1000 Genomes Consortium et al., 2015; Exome Variant Server). We interpret Q878X as a likely pathogenic variant.

Molecular Genetics Department, Kulakov National Medical Research Center for Obstetrics, Gynecology and Perinatology
Classification: Likely pathogenic for Cholestasis, progressive familial intrahepatic, 4. Review status: criteria provided, single submitter. Criteria: ACMG Guidelines, 2015. Collection method: clinical testing. Allele origin: germline. Affected: yes. Observed: 1 variant allele.
Comment: A previously undescribed homozygous nucleotide variant creates a premature translation stop signal p.Gln878Ter in the TJP2 gene (rs1554667607). Homozygous and compound heterozygous variants are reported in patients with cholestasis, progressive familial intrahepatic 4, 615878. The variant is not present in population database (gnomAD no frequency). In summary, the currently available evidence indicates that the variant is pathogenic, but additional data are needed to prove that conclusively. Therefore, this variant has been classified as likely pathogenic.

NM_004817.4(TJP2):c.2632C>T (p.Gln878Ter)

Gene: TJP2 (tight junction protein 2; plus strand). Cytogenetic location: 9q21.11.
Variant type: single nucleotide variant.
Coding change: c.2632C>T on transcript NM_004817.4 (MANE Select); coding-DNA position 2632, C replaced by T.
Protein change: p.Gln878Ter; replaces glutamine 878 with a stop codon.
Molecular consequence: nonsense.
Genome position (GRCh38, 1-based): chr9:69,246,755, C>T. VCF-style: chr9-69246755-C-T. GRCh37 (hg19) VCF-style: chr9-71861671-C-T.
Other names: c.2632C>T, p.Gln878Ter (LRG_1201t1, NM_001369872.1, NM_001369873.1 and 1 more transcripts); c.2563C>T, p.Gln855Ter (NM_001170414.2, NM_001369871.1); c.2644C>T, p.Gln882Ter (NM_001170415.1, NM_001369874.1, NM_001369875.1); c.2725C>T, p.Gln909Ter (NM_001170416.2); c.2557C>T, p.Gln853Ter (NM_001369870.1); short protein forms Q878*, Q855*, Q853*, Q882*, Q909*.
Identifiers: ClinVar variation 432766 (VCV000432766.3), dbSNP rs1554667607, ClinGen allele CA373536508.
Genomic context (GRCh38, chr9:69,246,755, plus strand): 5'-ATCAACCTAAATTCAGCCAATGATAGCTGGTTTGGCAGCTTAAAGGACACTATTCAGCAT[C>T]AGCAAGGAGAAGCGGTTTGGGTCTCTGAAGGAAAGGTATGTGGCATAGATATGCTGCTAT-3'